The following is an entry in ClinVar:

NM_003072.5(SMARCA4):c.1110C>G (p.Arg370=)

Gene: SMARCA4 (SWI/SNF related BAF chromatin remodeling complex subunit ATPase 4; plus strand). Cytogenetic location: 19p13.2.
Variant type: single nucleotide variant.
Coding change: c.1110C>G on transcript NM_003072.5 (MANE Select); coding-DNA position 1110, C replaced by G.
Protein change: p.Arg370=; no amino-acid change (arginine 370 retained).
Molecular consequence: synonymous variant. On other transcripts: non-coding transcript variant (1).
Genome position (GRCh38, 1-based): chr19:10,987,916, C>G. VCF-style: chr19-10987916-C-G. GRCh37 (hg19) VCF-style: chr19-11098592-C-G.
Other names: c.1110C>G, p.Arg370= (NM_001128844.3, NM_001128845.2, NM_001128846.2 and 6 more transcripts).
Identifiers: ClinVar variation 4084186 (VCV004084186.8).

ClinVar aggregate classification (germline): Likely benign (1 of 4 stars; one submission).

Submission:

CeGaT Center for Human Genetics Tuebingen
Classification: Likely benign. Last evaluated: 2025-08-01. Review status: criteria provided, single submitter. Criteria: CeGaT Center For Human Genetics Tuebingen Variant Classification Criteria Version 2. Collection method: clinical testing. Allele origin: germline. Affected: yes. Observed: 1 variant allele.
Comment: SMARCA4: PM2:Supporting, BP4, BP7